The following is an entry in ClinVar:

ClinVar aggregate classification (germline): Uncertain significance (1 of 4 stars; one submission).

Conditions:
BAP1-related tumor predisposition syndrome (TPDS1). Also called: COMMON Syndrome; TUMOR PREDISPOSITION SYNDROME 1; Tumor susceptibility linked to germline BAP1 mutations; BAP1 tumor predisposition syndrome. Identifiers: Orphanet 289539, MedGen C3280492, MONDO:0013692, OMIM 614327.

Submission:

Labcorp Genetics (formerly Invitae), Labcorp
Classification: Uncertain significance for BAP1-related tumor predisposition syndrome. Last evaluated: 2023-05-21. Review status: criteria provided, single submitter. Criteria: Invitae Variant Classification Sherloc (09022015). Collection method: clinical testing. Allele origin: germline.
Comment: In summary, the available evidence is currently insufficient to determine the role of this variant in disease. Therefore, it has been classified as a Variant of Uncertain Significance. Variants that disrupt the consensus splice site are a relatively common cause of aberrant splicing (PMID: 17576681, 9536098). Algorithms developed to predict the effect of sequence changes on RNA splicing suggest that this variant is not likely to affect RNA splicing. This variant has not been reported in the literature in individuals affected with BAP1-related conditions. This variant is not present in population databases (gnomAD no frequency). This sequence change falls in intron 16 of the BAP1 gene. It does not directly change the encoded amino acid sequence of the BAP1 protein. It affects a nucleotide within the consensus splice site.

Literature cited by the submitters: PubMed 17576681; PubMed 9536098.

NM_004656.4(BAP1):c.2056+5G>T

Gene: BAP1 (BRCA1 associated deubiquitinase 1; minus strand). Cytogenetic location: 3p21.1.
Variant type: single nucleotide variant.
Coding change: c.2056+5G>T on transcript NM_004656.4 (MANE Select); 5 bases into the intron after coding-DNA position 2056, G replaced by T.
Molecular consequence: intron variant.
Genome position (GRCh38, 1-based): chr3:52,402,597, C>A on the plus strand (G>T on the coding strand, the complement: BAP1 is on the minus strand). VCF-style: chr3-52402597-C-A. GRCh37 (hg19) VCF-style: chr3-52436613-C-A.
Other names: c.2002+5G>T (NM_001410772.1).
Identifiers: ClinVar variation 2866550 (VCV002866550.3), dbSNP rs2153226174, ClinGen allele CA2739279929.